The following is an entry in ClinVar:

ClinVar aggregate classification (germline): Uncertain significance (1 of 4 stars; one submission).

Conditions:
Arrhythmogenic cardiomyopathy with wooly hair and keratoderma. Also called: Arrhythmogenic cardiomyopathy with woolly hair and keratoderma; PALMOPLANTAR KERATODERMA WITH LEFT VENTRICULAR CARDIOMYOPATHY AND WOOLLY HAIR; Dilated cardiomyopathy with woolly hair and keratoderma; Carvajal syndrome. Identifiers: Orphanet 65282, MedGen C1854063, MONDO:0011581, OMIM 605676.
Arrhythmogenic right ventricular dysplasia 8 (ARVD8). Also called: Arrhythmogenic Right Ventricular Dysplasia/Cardiomyopathy 8; ARRHYTHMOGENIC RIGHT VENTRICULAR DYSPLASIA, FAMILIAL, 8; ARRHYTHMOGENIC RIGHT VENTRICULAR CARDIOMYOPATHY 8. Identifiers: MedGen C1843896, MONDO:0011831, OMIM 607450.

Allele frequency attached by ClinVar (database versions not stated): gnomAD 0.00001.
gnomAD v4.1: 2 of 1,613,996 alleles (0.00012%); highest among the groups gnomAD compares: African/African-American, 0.0013%; no homozygotes.

Submission:

Labcorp Genetics (formerly Invitae), Labcorp
Classification: Uncertain significance for Arrhythmogenic cardiomyopathy with wooly hair and keratoderma; Arrhythmogenic right ventricular dysplasia 8. Last evaluated: 2025-08-20. Review status: criteria provided, single submitter. Criteria: Invitae Variant Classification Sherloc (09022015). Collection method: clinical testing. Allele origin: germline.
Comment: This sequence change replaces threonine, which is neutral and polar, with isoleucine, which is neutral and non-polar, at codon 2120 of the DSP protein (p.Thr2120Ile). This variant is not present in population databases (gnomAD no frequency). This variant has not been reported in the literature in individuals affected with DSP-related conditions. ClinVar contains an entry for this variant (Variation ID: 949149). An algorithm developed to predict the effect of missense changes on protein structure and function outputs the following: PolyPhen-2: "Benign". The isoleucine amino acid residue is found in multiple mammalian species, which suggests that this missense change does not adversely affect protein function. In summary, the available evidence is currently insufficient to determine the role of this variant in disease. Therefore, it has been classified as a Variant of Uncertain Significance.

NM_004415.4(DSP):c.6359C>T (p.Thr2120Ile)

Gene: DSP (desmoplakin; plus strand). Cytogenetic location: 6p24.3.
Variant type: single nucleotide variant.
Coding change: c.6359C>T on transcript NM_004415.4 (MANE Select); coding-DNA position 6359, C replaced by T.
Protein change: p.Thr2120Ile; replaces threonine 2120 with isoleucine.
Molecular consequence: missense variant.
Genome position (GRCh38, 1-based): chr6:7,583,621, C>T. VCF-style: chr6-7583621-C-T. GRCh37 (hg19) VCF-style: chr6-7583854-C-T.
Other names: c.4562C>T, p.Thr1521Ile (NM_001008844.3); c.5030C>T, p.Thr1677Ile (NM_001319034.2); short protein forms T1677I, T2120I, T1521I.
Identifiers: ClinVar variation 949149 (VCV000949149.8), dbSNP rs1759528864, ClinGen allele CA362690635.